The following is an entry in ClinVar:

NM_001927.4(DES):c.1073G>T (p.Ser358Ile)

Gene: DES (desmin; plus strand). Cytogenetic location: 2q35.
Variant type: single nucleotide variant.
Coding change: c.1073G>T on transcript NM_001927.4 (MANE Select); coding-DNA position 1073, G replaced by T.
Protein change: p.Ser358Ile; replaces serine 358 with isoleucine.
Molecular consequence: missense variant. On other transcripts: intron variant (2).
Genome position (GRCh38, 1-based): chr2:219,421,389, G>T. VCF-style: chr2-219421389-G-T. GRCh37 (hg19) VCF-style: chr2-220286111-G-T.
Other names: c.1070G>T, p.Ser357Ile (NM_001382708.1); c.1052G>T, p.Ser351Ile (NM_001382711.1); c.1073G>T, p.Ser358Ile (NM_001382712.1); c.803G>T, p.Ser268Ile (NM_001382713.1); c.1024-20G>T (NM_001382710.1); c.736-95G>T (NM_001382709.1); short protein forms S268I, S358I, S351I, S357I.
Identifiers: ClinVar variation 1784195 (VCV001784195.2), dbSNP rs2545254856, ClinGen allele CA350693995.

ClinVar aggregate classification (germline): Uncertain significance (1 of 4 stars; one submission).

Conditions:
Cardiovascular phenotype. Identifiers: MedGen CN230736.

gnomAD v4.1: 1 of 1,614,134 alleles (0.000062%); highest among the groups gnomAD compares: Non-Finnish European, 0.000085%; no homozygotes.

Submission:

Ambry Genetics
Classification: Uncertain significance for Cardiovascular phenotype. Last evaluated: 2021-10-12. Review status: criteria provided, single submitter. Criteria: Ambry Variant Classification Scheme 2023. Collection method: clinical testing. Allele origin: germline.
Comment: The p.S358I variant (also known as c.1073G>T), located in coding exon 6 of the DES gene, results from a G to T substitution at nucleotide position 1073. The serine at codon 358 is replaced by isoleucine, an amino acid with dissimilar properties. This amino acid position is conserved. In addition, the in silico prediction for this alteration is inconclusive. Since supporting evidence is limited at this time, the clinical significance of this alteration remains unclear.